The following is an entry in ClinVar:

ClinVar aggregate classification (germline): Uncertain significance (1 of 4 stars; one submission).

Conditions:
Inborn genetic diseases. Identifiers: MedGen C0950123, MeSH D030342.

Submission:

Ambry Genetics
Classification: Uncertain significance for Inborn genetic diseases. Last evaluated: 2026-01-03. Review status: criteria provided, single submitter. Criteria: Ambry Variant Classification Scheme 2023. Collection method: clinical testing. Allele origin: germline.
Comment: The p.K216E variant (also known as c.646A>G), located in coding exon 6 of the CEP57 gene, results from an A to G substitution at nucleotide position 646. The lysine at codon 216 is replaced by glutamic acid, an amino acid with similar properties. This amino acid position is conserved. In addition, the in silico prediction for this alteration is inconclusive. Based on the available evidence, the clinical significance of this variant remains unclear.

NM_014679.5(CEP57):c.646A>G (p.Lys216Glu)

Gene: CEP57 (centrosomal protein 57; plus strand). Cytogenetic location: 11q21.
Variant type: single nucleotide variant.
Coding change: c.646A>G on transcript NM_014679.5 (MANE Select); coding-DNA position 646, A replaced by G.
Protein change: p.Lys216Glu; replaces lysine 216 with glutamic acid.
Molecular consequence: missense variant.
Genome position (GRCh38, 1-based): chr11:95,818,851, A>G. VCF-style: chr11-95818851-A-G. GRCh37 (hg19) VCF-style: chr11-95552015-A-G.
Other names: c.646A>G, p.Lys216Glu (NM_001440871.1, NM_001440874.1, NM_001243777.2); c.529A>G, p.Lys177Glu (NM_001440872.1, NM_001440876.1, NM_001440879.1 and 1 more transcripts); c.466A>G, p.Lys156Glu (NM_001440873.1); c.565A>G, p.Lys189Glu (NM_001440875.1, NM_001363604.2, NM_001440869.1 and 1 more transcripts); c.448A>G, p.Lys150Glu (NM_001440877.1, NM_001440878.1); c.619A>G, p.Lys207Glu (NM_001243776.2); c.385A>G, p.Lys129Glu (NM_001440880.1); c.349A>G, p.Lys117Glu (NM_001440881.1); short protein forms K117E, K177E, K207E, K129E, K156E, K150E, K189E, K216E.
Identifiers: ClinVar variation 4842314 (VCV004842314.1).